The following is an entry in ClinVar:

ClinVar aggregate classification (germline): Uncertain significance. Review status: criteria provided, multiple submitters, no conflicts (2 of 4 stars). 6 submissions from 6 submitters: Uncertain significance (6). Last evaluated 2025-10-20.

Conditions:
Larsen-like syndrome, B3GAT3 type. Also called: MULTIPLE JOINT DISLOCATIONS, SHORT STATURE, AND CRANIOFACIAL DYSMORPHISM WITH OR WITHOUT CONGENITAL HEART DEFECTS; Multiple joint dislocations, short stature, craniofacial dysmorphism, with or without congenital heart defects. Identifiers: Orphanet 284139, MedGen CN034159, MONDO:0009511, OMIM 245600.
Inborn genetic diseases. Identifiers: MedGen C0950123, MeSH D030342.

Allele frequency attached by ClinVar (database versions not stated): ESP Exome Variant Server 0.00015; 1000 Genomes Project 0.00020; 1000 Genomes Project 30x 0.00031.

Submissions (6):

Mayo Clinic Laboratories, Mayo Clinic
Classification: Uncertain significance. Last evaluated: 2025-10-20. Review status: criteria provided, single submitter. Criteria: ACMG Guidelines, 2015. Collection method: clinical testing. Allele origin: germline. Observed: 4 variant alleles.
Comment: BP4_moderate

Ambry Genetics
Classification: Uncertain significance for Inborn genetic diseases. Last evaluated: 2025-08-10. Review status: criteria provided, single submitter. Criteria: Ambry Variant Classification Scheme 2023. Collection method: clinical testing. Allele origin: germline.

GeneDx
Classification: Uncertain significance. Last evaluated: 2025-07-31. Review status: criteria provided, single submitter. Criteria: GeneDx Variant Classification Process June 2021. Collection method: clinical testing. Allele origin: germline. Affected: yes.
Comment: In silico analysis suggests that this missense variant does not alter protein structure/function; Has not been previously published as pathogenic or benign to our knowledge

Blueprint Genetics
Classification: Uncertain significance. Last evaluated: 2024-11-25. Review status: criteria provided, single submitter. Criteria: ACMG Guidelines, 2015. Collection method: clinical testing. Allele origin: germline.

Labcorp Genetics (formerly Invitae), Labcorp
Classification: Uncertain significance for Larsen-like syndrome, B3GAT3 type. Last evaluated: 2022-10-28. Review status: criteria provided, single submitter. Criteria: Invitae Variant Classification Sherloc (09022015). Collection method: clinical testing. Allele origin: germline.
Comment: This sequence change replaces proline, which is neutral and non-polar, with serine, which is neutral and polar, at codon 68 of the B3GAT3 protein (p.Pro68Ser). This variant is present in population databases (rs200817074, gnomAD 0.06%). This variant has not been reported in the literature in individuals affected with B3GAT3-related conditions. ClinVar contains an entry for this variant (Variation ID: 1326841). Advanced modeling of protein sequence and biophysical properties (such as structural, functional, and spatial information, amino acid conservation, physicochemical variation, residue mobility, and thermodynamic stability) performed at Invitae indicates that this missense variant is not expected to disrupt B3GAT3 protein function. In summary, the available evidence is currently insufficient to determine the role of this variant in disease. Therefore, it has been classified as a Variant of Uncertain Significance.

Fulgent Genetics
Classification: Uncertain significance for Larsen-like syndrome, B3GAT3 type. Last evaluated: 2022-02-28. Review status: criteria provided, single submitter. Criteria: ACMG Guidelines, 2015. Collection method: clinical testing. Allele origin: unknown.

NM_012200.4(B3GAT3):c.202C>T (p.Pro68Ser)

Gene: B3GAT3 (beta-1,3-glucuronyltransferase 3; minus strand). Cytogenetic location: 11q12.3.
Variant type: single nucleotide variant.
Coding change: c.202C>T on transcript NM_012200.4 (MANE Select); coding-DNA position 202, C replaced by T.
Protein change: p.Pro68Ser; replaces proline 68 with serine.
Molecular consequence: missense variant. On other transcripts: non-coding transcript variant (1).
Genome position (GRCh38, 1-based): chr11:62,620,552, G>A on the plus strand (C>T on the coding strand, the complement: B3GAT3 is on the minus strand). VCF-style: chr11-62620552-G-A. GRCh37 (hg19) VCF-style: chr11-62388024-G-A.
Other names: p.Pro68Ser; c.181C>T, p.Pro61Ser (NM_001288721.2); c.202C>T, p.Pro68Ser (NM_001288722.2, NM_001288723.2); short protein forms P61S, P68S.
Identifiers: ClinVar variation 1326841 (VCV001326841.11), dbSNP rs200817074, ClinGen allele CA6050183.